The following is an entry in ClinVar:

ClinVar aggregate classification (germline): Conflicting classifications of pathogenicity. Review status: criteria provided, conflicting classifications (1 of 4 stars). 2 submissions from 2 submitters: Uncertain significance (1); Likely benign (1). Last evaluated 2024-11-10.

Conditions:
Familial thoracic aortic aneurysm and aortic dissection (TAAD). Also called: Thoracic aortic aneurysms and dissections. Identifiers: Orphanet 91387, MedGen C4707243, MONDO:0019625.

Submissions (2):

Ambry Genetics
Classification: Uncertain significance for Familial thoracic aortic aneurysm and aortic dissection. Last evaluated: 2024-11-10. Review status: criteria provided, single submitter. Criteria: Ambry Variant Classification Scheme 2023. Collection method: clinical testing. Allele origin: germline.
Comment: The p.L400F variant (also known as c.1198C>T), located in coding exon 3 of the SKI gene, results from a C to T substitution at nucleotide position 1198. The leucine at codon 400 is replaced by phenylalanine, an amino acid with highly similar properties. This amino acid position is conserved. In addition, the in silico prediction for this alteration is inconclusive. Based on the available evidence, the clinical significance of this variant remains unclear.

GeneDx
Classification: Likely benign. Last evaluated: 2022-09-15. Review status: criteria provided, single submitter. Criteria: GeneDx Variant Classification Process June 2021. Collection method: clinical testing. Allele origin: germline. Affected: yes.
Comment: See Variant Classification Assertion Criteria.

NM_003036.4(SKI):c.1198C>T (p.Leu400Phe)

Gene: SKI (SKI proto-oncogene; plus strand). Cytogenetic location: 1p36.32.
Variant type: single nucleotide variant.
Coding change: c.1198C>T on transcript NM_003036.4 (MANE Select); coding-DNA position 1198, C replaced by T.
Protein change: p.Leu400Phe; replaces leucine 400 with phenylalanine.
Molecular consequence: missense variant.
Genome position (GRCh38, 1-based): chr1:2,303,387, C>T. VCF-style: chr1-2303387-C-T. GRCh37 (hg19) VCF-style: chr1-2234826-C-T.
Other names: short protein forms L400F.
Identifiers: ClinVar variation 1302635 (VCV001302635.4), dbSNP rs1206358847, ClinGen allele CA337954638.